The following is an entry in ClinVar:

NM_003738.5(PTCH2):c.3139C>T (p.Arg1047Trp)

Gene: PTCH2 (patched 2; minus strand). Cytogenetic location: 1p34.1.
Variant type: single nucleotide variant.
Coding change: c.3139C>T on transcript NM_003738.5 (MANE Select); coding-DNA position 3139, C replaced by T.
Protein change: p.Arg1047Trp; replaces arginine 1047 with tryptophan.
Molecular consequence: missense variant.
Genome position (GRCh38, 1-based): chr1:44,823,361, G>A on the plus strand (C>T on the coding strand, the complement: PTCH2 is on the minus strand). VCF-style: chr1-44823361-G-A. GRCh37 (hg19) VCF-style: chr1-45289033-G-A.
Other names: c.3139C>T, p.Arg1047Trp (NM_001166292.2); short protein forms R1047W.
Identifiers: ClinVar variation 239560 (VCV000239560.9), dbSNP rs758245867, ClinGen allele CA822787.

ClinVar aggregate classification (germline): Uncertain significance (1 of 4 stars; one submission).

Conditions:
Gorlin syndrome. Also called: Basal cell nevus syndrome; Nevoid Basal Cell Carcinoma Syndrome. Identifiers: Orphanet 377, MedGen C0004779, MONDO:0007187.

Allele frequency attached by ClinVar (database versions not stated): ExAC 0.00003; TOPMed 0.00003; gnomAD exomes 0.00005 and 0.00006; gnomAD 0.00007.
gnomAD v4.1: 99 of 1,614,100 alleles (0.0061%); highest among the groups gnomAD compares: Non-Finnish European, 0.008%; no homozygotes.

Submission:

Labcorp Genetics (formerly Invitae), Labcorp
Classification: Uncertain significance for Gorlin syndrome. Last evaluated: 2024-06-14. Review status: criteria provided, single submitter. Criteria: Invitae Variant Classification Sherloc (09022015). Collection method: clinical testing. Allele origin: germline.
Comment: This sequence change replaces arginine, which is basic and polar, with tryptophan, which is neutral and slightly polar, at codon 1047 of the PTCH2 protein (p.Arg1047Trp). This variant is present in population databases (rs758245867, gnomAD 0.009%). This missense change has been observed in individual(s) with bicuspid aortic valve (PMID: 25260786). ClinVar contains an entry for this variant (Variation ID: 239560). Advanced modeling of protein sequence and biophysical properties (such as structural, functional, and spatial information, amino acid conservation, physicochemical variation, residue mobility, and thermodynamic stability) performed at Invitae indicates that this missense variant is not expected to disrupt PTCH2 protein function with a negative predictive value of 80%. In summary, the available evidence is currently insufficient to determine the role of this variant in disease. Therefore, it has been classified as a Variant of Uncertain Significance.

Literature cited by the submitters: PubMed 25260786.